The following is an entry in ClinVar:

NM_001378183.1(PIEZO2):c.5341A>G (p.Ile1781Val)

Gene: PIEZO2 (piezo type mechanosensitive ion channel component 2; minus strand). Cytogenetic location: 18p11.22.
Variant type: single nucleotide variant.
Coding change: c.5341A>G on transcript NM_001378183.1 (MANE Select); coding-DNA position 5341, A replaced by G.
Protein change: p.Ile1781Val; replaces isoleucine 1781 with valine.
Molecular consequence: missense variant.
Genome position (GRCh38, 1-based): chr18:10,714,846, T>C on the plus strand (A>G on the coding strand, the complement: PIEZO2 is on the minus strand). VCF-style: chr18-10714846-T-C. GRCh37 (hg19) VCF-style: chr18-10714844-T-C.
Other names: c.5242A>G, p.Ile1748Val (NM_001410871.1); c.5167A>G, p.Ile1723Val (NM_022068.4); short protein forms I1723V, I1748V, I1781V.
Identifiers: ClinVar variation 1932741 (VCV001932741.5), dbSNP rs1280428917, ClinGen allele CA401912343.

ClinVar aggregate classification (germline): Uncertain significance (1 of 4 stars; one submission).

Allele frequency attached by ClinVar (database versions not stated): gnomAD exomes below 0.00001.
gnomAD v4.1: 2 of 1,537,272 alleles (0.00013%); no homozygotes.

Submission:

Labcorp Genetics (formerly Invitae), Labcorp
Classification: Uncertain significance. Last evaluated: 2024-04-05. Review status: criteria provided, single submitter. Criteria: Invitae Variant Classification Sherloc (09022015). Collection method: clinical testing. Allele origin: germline.
Comment: This sequence change replaces isoleucine, which is neutral and non-polar, with valine, which is neutral and non-polar, at codon 1723 of the PIEZO2 protein (p.Ile1723Val). This variant is present in population databases (no rsID available, gnomAD 0.01%). This variant has not been reported in the literature in individuals affected with PIEZO2-related conditions. ClinVar contains an entry for this variant (Variation ID: 1932741). Advanced modeling of protein sequence and biophysical properties (such as structural, functional, and spatial information, amino acid conservation, physicochemical variation, residue mobility, and thermodynamic stability) performed at Invitae indicates that this missense variant is not expected to disrupt PIEZO2 protein function with a negative predictive value of 95%. In summary, the available evidence is currently insufficient to determine the role of this variant in disease. Therefore, it has been classified as a Variant of Uncertain Significance.